The following is an entry in ClinVar:

NM_002048.3(GAS1):c.1031T>A (p.Leu344His)

Gene: GAS1 (growth arrest specific 1; minus strand). Cytogenetic location: 9q21.33.
Variant type: single nucleotide variant.
Coding change: c.1031T>A on transcript NM_002048.3 (MANE Select); coding-DNA position 1031, T replaced by A.
Protein change: p.Leu344His; replaces leucine 344 with histidine.
Molecular consequence: missense variant.
Genome position (GRCh38, 1-based): chr9:86,945,749, A>T on the plus strand (T>A on the coding strand, the complement: GAS1 is on the minus strand). VCF-style: chr9-86945749-A-T. GRCh37 (hg19) VCF-style: chr9-89560664-A-T.
Other names: short protein forms L344H.
Identifiers: ClinVar variation 1922040 (VCV001922040.5), dbSNP rs958204986, ClinGen allele CA374014902.

ClinVar aggregate classification (germline): Uncertain significance (1 of 4 stars; one submission).

gnomAD v4.1: 6 of 1,517,974 alleles (0.0004%); highest among the groups gnomAD compares: Non-Finnish European, 0.00053%; no homozygotes.

Submission:

Labcorp Genetics (formerly Invitae), Labcorp
Classification: Uncertain significance. Last evaluated: 2024-03-05. Review status: criteria provided, single submitter. Criteria: Invitae Variant Classification Sherloc (09022015). Collection method: clinical testing. Allele origin: germline.
Comment: This sequence change replaces leucine, which is neutral and non-polar, with histidine, which is basic and polar, at codon 344 of the GAS1 protein (p.Leu344His). This variant is present in population databases (no rsID available, gnomAD 0.002%). This variant has not been reported in the literature in individuals affected with GAS1-related conditions. ClinVar contains an entry for this variant (Variation ID: 1922040). Algorithms developed to predict the effect of missense changes on protein structure and function output the following: SIFT: "Not Available"; PolyPhen-2: "Not Available"; Align-GVGD: "Not Available". The histidine amino acid residue is found in multiple mammalian species, which suggests that this missense change does not adversely affect protein function. In summary, the available evidence is currently insufficient to determine the role of this variant in disease. Therefore, it has been classified as a Variant of Uncertain Significance.